The following is an entry in ClinVar:

ClinVar aggregate classification (germline): Uncertain significance. Review status: criteria provided, multiple submitters, no conflicts (2 of 4 stars). 2 submissions from 2 submitters: Uncertain significance (2). Last evaluated 2024-05-28.

Conditions:
Hereditary pulmonary alveolar proteinosis. Also called: Pulmonary surfactant metabolism dysfunction. Identifiers: Orphanet 264675, MedGen C3711368, MONDO:0012580.
Interstitial lung disease due to ABCA3 deficiency. Also called: PULMONARY ALVEOLAR PROTEINOSIS, CONGENITAL, 3. Identifiers: Orphanet 440402, MedGen C1970456, MONDO:0012582, OMIM 610921.

Allele frequency attached by ClinVar (database versions not stated): ExAC 0.00001; gnomAD 0.00003; TOPMed 0.00003.
gnomAD v4.1: 48 of 1,613,960 alleles (0.003%); highest among the groups gnomAD compares: East Asian, 0.011%; no homozygotes.

Submissions (2):

Ambry Genetics
Classification: Uncertain significance for Hereditary pulmonary alveolar proteinosis. Last evaluated: 2024-05-28. Review status: criteria provided, single submitter. Criteria: Ambry Variant Classification Scheme 2023. Collection method: clinical testing. Allele origin: germline.

Victorian Clinical Genetics Services, Murdoch Childrens Research Institute
Classification: Uncertain significance for Interstitial lung disease due to ABCA3 deficiency. Last evaluated: 2023-07-17. Review status: criteria provided, single submitter. Criteria: ACMG Guidelines, 2015. Collection method: clinical testing. Allele origin: germline. Inheritance: Autosomal recessive inheritance. Affected: yes.
Comment: Based on the classification scheme VCGS_Germline_v1.3.4, this variant is classified as VUS-3C. Following criteria are met: 0102 - Loss of function is a known mechanism of disease in this gene and is associated with surfactant metabolism dysfunction, pulmonary, 3 (MIM#610921). (I) 0106 - This gene is associated with autosomal recessive disease. (I) 0200 - Variant is predicted to result in a missense amino acid change from methionine to valine. (I) 0251 - This variant is heterozygous. (I) 0304 - Variant is present in gnomAD (v2) <0.01 for a recessive condition (10 heterozygotes, 0 homozygotes). (SP) 0504 - Same amino acid change has been observed in placental mammals. (SB) 0600 - Variant is located in the annotated ABC-2 family transporter protein domain (DECIPHER). (I) 0705 - No comparable missense variants have previous evidence for pathogenicity. (I) 0807 - This variant has no previous evidence of pathogenicity. (I) 0905 - No published segregation evidence has been identified for this variant. (I) 1007 - No published functional evidence has been identified for this variant. (I) 1208 - Inheritance information for this variant is not currently available in this individual. (I) Legend: (SP) - Supporting pathogenic, (I) - Information, (SB) - Supporting benign

NM_001089.3(ABCA3):c.1288A>G (p.Met430Val)

Gene: ABCA3 (ATP binding cassette subfamily A member 3; minus strand). Cytogenetic location: 16p13.3.
Variant type: single nucleotide variant.
Coding change: c.1288A>G on transcript NM_001089.3 (MANE Select); coding-DNA position 1288, A replaced by G.
Protein change: p.Met430Val; replaces methionine 430 with valine.
Molecular consequence: missense variant.
Genome position (GRCh38, 1-based): chr16:2,304,148, T>C on the plus strand (A>G on the coding strand, the complement: ABCA3 is on the minus strand). VCF-style: chr16-2304148-T-C. GRCh37 (hg19) VCF-style: chr16-2354149-T-C.
Other names: short protein forms M430V.
Identifiers: ClinVar variation 3254570 (VCV003254570.2), dbSNP rs751315023.